The following is an entry in ClinVar:

ClinVar aggregate classification (germline): Likely benign (1 of 4 stars; one submission).

Submission:

CeGaT Center for Human Genetics Tuebingen
Classification: Likely benign. Last evaluated: 2023-01-01. Review status: criteria provided, single submitter. Criteria: CeGaT Center For Human Genetics Tuebingen Variant Classification Criteria Version 2. Collection method: clinical testing. Allele origin: germline. Affected: yes. Observed: 1 variant allele.
Comment: NIPA1: BS1

NM_144599.5(NIPA1):c.*1336_*1340del

Gene: NIPA1 (NIPA magnesium transporter 1; plus strand). Cytogenetic location: 15q11.2.
Variant type: Deletion.
Coding change: c.*1336_*1340del on transcript NM_144599.5 (MANE Select); 1336 bases downstream of the stop codon through 1340 bases downstream of the stop codon, 5 bases deleted (AATTA; older notation c.*1336_*1340delAATTA).
Molecular consequence: 3 prime UTR variant.
Genome position (GRCh38, 1-based): chr15:22,825,575-22,825,579, AATTA deleted; deleting any 5 consecutive bases within chr15:22,825,573-22,825,579 gives the same sequence; the c. name uses the placement nearest the transcript's 3' end. VCF-style (leftmost placement, unchanged base first): chr15-22825572-ATAAAT-A. GRCh37 (hg19) VCF-style: chr15-23047488-CTAATT-C.
Other names: c.*1336_*1340del (NM_001142275.1).
Identifiers: ClinVar variation 2644952 (VCV002644952.24), dbSNP rs552913620, ClinGen allele CA267607916.
Genomic context (GRCh38, chr15:22,825,572, plus strand): 5'-ATCCAGTATCAAATATATCCACATTCTTTATCAGCAAGCATTCATGGCCATTCAGAAGAA[ATAAAT>A]TAGGTAACTTGATAATAAGGCTAAGTGGGAGAGTACCTGTTCAATAGCTCATATATCGAG-3'